The following is an entry in ClinVar:

ClinVar aggregate classification (germline): Pathogenic. Review status: criteria provided, multiple submitters, no conflicts (2 of 4 stars). 4 submissions from 4 submitters: Pathogenic (2). 2 of the submissions do not count toward it. Last evaluated 2024-08-11.

Conditions:
Generalized epilepsy with febrile seizures plus, type 2 (GEFSP2). Also called: GEFS+, TYPE 2. Identifiers: Orphanet 36387, MedGen C1858673, MONDO:0011461, OMIM 604403.
Generalized epilepsy with febrile seizures plus, type 1 (GEFSP1). Also called: GEFS+, TYPE 1. Identifiers: Orphanet 36387, MedGen C1858672, MONDO:0011416, OMIM 604233.

Submissions (4):

GeneDx
Classification: Pathogenic. Last evaluated: 2024-08-11. Review status: criteria provided, single submitter. Criteria: GeneDx Variant Classification Process June 2021. Collection method: clinical testing. Allele origin: germline. Affected: yes.
Comment: Published functional studies demonstrate impaired sodium channel function (PMID: 25576396, 12086636); In silico analysis supports that this missense variant has a deleterious effect on protein structure/function; This substitution is predicted to be within the cytoplasmic loop between the second and third homologous domains; Not observed at significant frequency in large population cohorts (gnomAD); This variant is associated with the following publications: (PMID: 12535936, 14702334, 12086636, 28717674, 11254445, 25576396)

CeGaT Center for Human Genetics Tuebingen
Classification: Pathogenic. Last evaluated: 2017-12-01. Review status: criteria provided, single submitter. Criteria: CeGaT Center For Human Genetics Tuebingen Variant Classification Criteria Version 2. Collection method: clinical testing. Allele origin: germline. Affected: yes. Observed: 1 variant allele.

OMIM
Classification: Pathogenic for GENERALIZED EPILEPSY WITH FEBRILE SEIZURES PLUS, TYPE 2. Last evaluated: 2001-04-01. Review status: no assertion criteria provided. Collection method: literature only. Allele origin: germline. Not counted in ClinVar's aggregate classification.

UniProtKB/Swiss-Prot
No classification provided. Condition: Generalized epilepsy with febrile seizures plus, type 1. Review status: no classification provided. Collection method: not provided. Allele origin: unknown. Not counted in ClinVar's aggregate classification.

Literature cited by the submitters: PubMed 11254445 (cited by OMIM).

NM_001165963.4(SCN1A):c.3610T>C (p.Trp1204Arg)

Genes: SCN1A (sodium voltage-gated channel alpha subunit 1; minus strand), LOC102724058 (uncharacterized LOC102724058; plus strand). Cytogenetic location: 2q24.3.
Variant type: single nucleotide variant.
Coding change: c.3610T>C on transcript NM_001165963.4 (MANE Select); coding-DNA position 3610, T replaced by C.
Protein change: p.Trp1204Arg; replaces tryptophan 1204 with arginine.
Molecular consequence: missense variant. On other transcripts: non-coding transcript variant (1).
Genome position (GRCh38, 1-based): chr2:166,013,839, A>G on the plus strand (T>C on the coding strand, the complement: SCN1A is on the minus strand). VCF-style: chr2-166013839-A-G. GRCh37 (hg19) VCF-style: chr2-166870349-A-G.
Other names: c.3526T>C, p.Trp1176Arg (NM_001165964.3, NM_001353957.2, NM_001353958.2); c.3610T>C, p.Trp1204Arg (NM_001202435.3, NM_001353948.2); c.3577T>C, p.Trp1193Arg (NM_001353949.2, NM_001353950.2, NM_001353951.2 and 2 more transcripts); c.3574T>C, p.Trp1192Arg (NM_001353954.2, NM_001353955.2); c.3523T>C, p.Trp1175Arg (NM_001353960.2); c.1168T>C, p.Trp390Arg (NM_001353961.2); short protein forms W1204R, W1193R, W1175R, W1176R, W1192R, W390R.
Identifiers: ClinVar variation 12887 (VCV000012887.43), dbSNP rs121917930, ClinGen allele CA256599.